The following is an entry in ClinVar:

NM_001127511.3(APC):c.-49G>A

Gene: APC (APC regulator of Wnt signaling pathway; plus strand). Cytogenetic location: 5q22.2.
Variant type: single nucleotide variant.
Coding change: c.-49G>A on transcript NM_001127511.3; 49 bases upstream of the start codon, G replaced by A.
Molecular consequence: 5 prime UTR variant. On other transcripts: non-coding transcript variant (1), intron variant (5).
Genome position (GRCh38, 1-based): chr5:112,707,669, G>A. VCF-style: chr5-112707669-G-A. GRCh37 (hg19) VCF-style: chr5-112043366-G-A.
Other names: c.-232G>A (NM_001354895.2, NM_001407447.1, NM_001407452.1 and 3 more transcripts); c.-49G>A (NM_001354897.2, NM_001354902.2, NM_001407446.1); c.-1267G>A (NM_001407470.1, NM_001407472.1); c.-19+20G>A (NM_001407448.1, NM_001407450.1, NM_001407457.1 and 1 more transcripts); c.-43+20G>A (NM_001407453.1).
Identifiers: ClinVar variation 1945881 (VCV001945881.4), dbSNP rs2149630120, ClinGen allele CA2580072316.

ClinVar aggregate classification (germline): Uncertain significance (1 of 4 stars; one submission).

Conditions:
Familial adenomatous polyposis 1 (FAP1). Also called: FAMILIAL ADENOMATOUS POLYPOSIS 1, ATTENUATED; POLYPOSIS, ADENOMATOUS INTESTINAL. Identifiers: MedGen C2713442, MONDO:0021056, OMIM 175100. Disease mechanism: loss of function.

Allele frequency attached by ClinVar (database versions not stated): gnomAD exomes below 0.00001.
gnomAD v4.1: 1 of 1,369,940 alleles (0.000073%); highest among the groups gnomAD compares: Non-Finnish European, 0.000096%; no homozygotes.

Submission:

Labcorp Genetics (formerly Invitae), Labcorp
Classification: Uncertain significance for Familial adenomatous polyposis 1. Last evaluated: 2022-09-23. Review status: criteria provided, single submitter. Criteria: Invitae Variant Classification Sherloc (09022015). Collection method: clinical testing. Allele origin: germline.
Comment: This variant occurs in a non-coding region of the APC gene. It does not change the encoded amino acid sequence of the APC protein. This variant is not present in population databases (gnomAD no frequency). This variant has not been reported in the literature in individuals affected with APC-related conditions. Experimental studies and prediction algorithms are not available or were not evaluated, and the functional significance of this variant is currently unknown. In summary, the available evidence is currently insufficient to determine the role of this variant in disease. Therefore, it has been classified as a Variant of Uncertain Significance.